The following is an entry in ClinVar:

ClinVar aggregate classification (germline): Pathogenic (1 of 4 stars; one submission).

Submission:

Labcorp Genetics (formerly Invitae), Labcorp
Classification: Pathogenic. Last evaluated: 2025-03-10. Review status: criteria provided, single submitter. Criteria: Invitae Variant Classification Sherloc (09022015). Collection method: clinical testing. Allele origin: germline.
Comment: This sequence change creates a premature translational stop signal (p.Arg367Serfs*103) in the ANK1 gene. It is expected to result in an absent or disrupted protein product. Loss-of-function variants in ANK1 are known to be pathogenic (PMID: 8640229). This variant is not present in population databases (gnomAD no frequency). This variant has not been reported in the literature in individuals affected with ANK1-related conditions. For these reasons, this variant has been classified as Pathogenic.

Literature cited by the submitters: PubMed 8640229.

NM_000037.4(ANK1):c.1101_1102del (p.Arg367fs)

Gene: ANK1 (ankyrin 1; minus strand). Cytogenetic location: 8p11.21.
Variant type: Microsatellite.
Coding change: c.1101_1102del on transcript NM_000037.4 (MANE Select); coding-DNA positions 1101 to 1102, 2 bases deleted (AG; older notation c.1101_1102delAG).
Protein change: p.Arg367fs; shifts the reading frame from arginine 367.
Molecular consequence: frameshift variant.
Genome position (GRCh38, 1-based): chr8:41,719,666-41,719,667, CT deleted on the plus strand (AG on the coding strand, the reverse complement: ANK1 is on the minus strand); deleting any 2 consecutive bases within chr8:41,719,666-41,719,669 gives the same sequence; the c. name uses the placement nearest the transcript's 3' end. VCF-style (leftmost placement, unchanged base first): chr8-41719665-GCT-G. GRCh37 (hg19) VCF-style: chr8-41577183-GCT-G.
Other names: c.1200_1201del, p.Arg400fs (NM_001142446.2); c.1101_1102del, p.Arg367fs (NM_020475.3, NM_020476.3, NM_020477.3); short protein forms R400fs, R367fs.
Identifiers: ClinVar variation 3725624 (VCV003725624.2).